The following is an entry in ClinVar:

ClinVar aggregate classification (germline): Benign. Review status: criteria provided, multiple submitters, no conflicts (2 of 4 stars). 12 submissions from 12 submitters: Benign (8). 4 of the submissions do not count toward it. Last evaluated 2026-05-08.

Conditions:
Epiphyseal dysplasia, multiple, 3 (EDM3). Also called: Epiphyseal dysplasia, multiple, 3, with or without myopathy; COL9A3-Related Multiple Epiphyseal Dysplasia. Identifiers: MedGen C1832998, MONDO:0010964, OMIM 600969.

Allele frequency attached by ClinVar (database versions not stated): gnomAD exomes 0.52736; ESP Exome Variant Server 0.55524; gnomAD 0.56099 and 0.56123; TOPMed 0.57517; ExAC 0.57615; 1000 Genomes Project 0.62939; 1000 Genomes Project 30x 0.63257.
gnomAD v4.1: 765,901 of 1,596,078 alleles (48%); highest among the groups gnomAD compares: African/African-American, 80%; 190,486 homozygotes.

Submissions (12):

Women's Health and Genetics/Laboratory Corporation of America, LabCorp
Classification: Benign. Last evaluated: 2026-05-08. Review status: criteria provided, single submitter. Criteria: LabCorp Variant Classification Summary - May 2015. Collection method: clinical testing. Allele origin: germline.

Labcorp Genetics (formerly Invitae), Labcorp
Classification: Benign. Last evaluated: 2026-02-04. Review status: criteria provided, single submitter. Criteria: Invitae Variant Classification Sherloc (09022015). Collection method: clinical testing. Allele origin: germline.

Blueprint Genetics
Classification: Benign. Last evaluated: 2024-11-28. Review status: criteria provided, single submitter. Criteria: ACMG Guidelines, 2015. Collection method: clinical testing. Allele origin: germline.

Genome-Nilou Lab
Classification: Benign for Epiphyseal dysplasia, multiple, 3. Last evaluated: 2021-07-30. Review status: criteria provided, single submitter. Criteria: ACMG Guidelines, 2015. Collection method: clinical testing. Allele origin: germline. Affected: no.

Mayo Clinic Laboratories, Mayo Clinic
Classification: Benign. Last evaluated: 2020-10-02. Review status: criteria provided, single submitter. Criteria: ACMG Guidelines, 2015. Collection method: clinical testing. Allele origin: germline. Observed: 137 variant alleles.

GeneDx
Classification: Benign. Last evaluated: 2017-05-19. Review status: criteria provided, single submitter. Criteria: GeneDx Variant Classification (06012015). Collection method: clinical testing. Allele origin: germline. Affected: yes.
Comment: This variant is considered likely benign or benign based on one or more of the following criteria: it is a conservative change, it occurs at a poorly conserved position in the protein, it is predicted to be benign by multiple in silico algorithms, and/or has population frequency not consistent with disease.

Breakthrough Genomics
Classification: Benign. Review status: criteria provided, single submitter. Criteria: ACMG Guidelines, 2015. Collection method: not provided. Allele origin: germline. Inheritance: Autosomal recessive inheritance. Affected: yes.

PreventionGenetics, part of Exact Sciences
Classification: Benign. Review status: criteria provided, single submitter. Criteria: ACMG Guidelines, 2015. Collection method: clinical testing. Allele origin: germline.

Clinical Genetics DNA and cytogenetics Diagnostics Lab, Erasmus MC, Erasmus Medical Center
Classification: Benign. Review status: no assertion criteria provided. Collection method: clinical testing. Allele origin: germline. Affected: yes. Study: VKGL Data-share Consensus. Not counted in ClinVar's aggregate classification.

Diagnostic Laboratory, Department of Genetics, University Medical Center Groningen
Classification: Benign. Review status: no assertion criteria provided. Collection method: clinical testing. Allele origin: germline. Affected: yes. Study: VKGL Data-share Consensus. Not counted in ClinVar's aggregate classification.

Genome Diagnostics Laboratory, Amsterdam University Medical Center
Classification: Benign. Review status: no assertion criteria provided. Collection method: clinical testing. Allele origin: germline. Affected: yes. Study: VKGL Data-share Consensus. Not counted in ClinVar's aggregate classification.

Joint Genome Diagnostic Labs from Nijmegen and Maastricht, Radboudumc and MUMC+
Classification: Benign. Review status: no assertion criteria provided. Collection method: clinical testing. Allele origin: germline. Affected: yes. Study: VKGL Data-share Consensus. Not counted in ClinVar's aggregate classification.

NM_001853.4(COL9A3):c.1008+10C>T

Gene: COL9A3 (collagen type IX alpha 3 chain; plus strand). Cytogenetic location: 20q13.33.
Variant type: single nucleotide variant.
Coding change: c.1008+10C>T on transcript NM_001853.4 (MANE Select); 10 bases into the intron after coding-DNA position 1008, C replaced by T.
Molecular consequence: intron variant.
Genome position (GRCh38, 1-based): chr20:62,828,986, C>T. VCF-style: chr20-62828986-C-T. GRCh37 (hg19) VCF-style: chr20-61460338-C-T.
Other names: p.?; c.1008+10C>T (LRG_1253t1).
Identifiers: ClinVar variation 258402 (VCV000258402.24), dbSNP rs6062700, ClinGen allele CA9949658.